The following is an entry in ClinVar:

ClinVar aggregate classification (germline): Uncertain significance. Review status: criteria provided, multiple submitters, no conflicts (2 of 4 stars). 4 submissions from 4 submitters: Uncertain significance (4). Last evaluated 2025-11-19.

Conditions:
Inborn genetic diseases. Identifiers: MedGen C0950123, MeSH D030342.

gnomAD v4.1: 16 of 1,613,628 alleles (0.00099%); highest among the groups gnomAD compares: African/African-American, 0.0013%; no homozygotes.

Submissions (4):

Labcorp Genetics (formerly Invitae), Labcorp
Classification: Uncertain significance. Last evaluated: 2025-11-19. Review status: criteria provided, single submitter. Criteria: Invitae Variant Classification Sherloc (09022015). Collection method: clinical testing. Allele origin: germline.
Comment: This sequence change replaces aspartic acid, which is acidic and polar, with glutamic acid, which is acidic and polar, at codon 1172 of the SAMD9 protein (p.Asp1172Glu). This variant is not present in population databases (gnomAD no frequency). This variant has not been reported in the literature in individuals affected with SAMD9-related conditions. ClinVar contains an entry for this variant (Variation ID: 2657669). Invitae Evidence Modeling of protein sequence and biophysical properties (such as structural, functional, and spatial information, amino acid conservation, physicochemical variation, residue mobility, and thermodynamic stability) indicates that this missense variant is not expected to disrupt SAMD9 protein function with a negative predictive value of 95%. In summary, the available evidence is currently insufficient to determine the role of this variant in disease. Therefore, it has been classified as a Variant of Uncertain Significance.

Ambry Genetics
Classification: Uncertain significance for Inborn genetic diseases. Last evaluated: 2025-06-14. Review status: criteria provided, single submitter. Criteria: Ambry Variant Classification Scheme 2023. Collection method: clinical testing. Allele origin: germline.
Comment: The p.D1172E variant (also known as c.3516T>A), located in coding exon 1 of the SAMD9 gene, results from a T to A substitution at nucleotide position 3516. The aspartic acid at codon 1172 is replaced by glutamic acid, an amino acid with highly similar properties. This amino acid position is conserved. In addition, this alteration is predicted to be tolerated by in silico analysis. Based on the available evidence, the clinical significance of this variant remains unclear.

GeneDx
Classification: Uncertain significance. Last evaluated: 2023-12-07. Review status: criteria provided, single submitter. Criteria: GeneDx Variant Classification Process June 2021. Collection method: clinical testing. Allele origin: germline. Affected: yes.
Comment: Not observed at significant frequency in large population cohorts (gnomAD); In silico analysis supports that this missense variant does not alter protein structure/function; Has not been previously published as pathogenic or benign to our knowledge; This variant is associated with the following publications: (PMID: 28545555)

CeGaT Center for Human Genetics Tuebingen
Classification: Uncertain significance. Last evaluated: 2022-12-01. Review status: criteria provided, single submitter. Criteria: CeGaT Center For Human Genetics Tuebingen Variant Classification Criteria Version 2. Collection method: clinical testing. Allele origin: germline. Affected: yes. Observed: 1 variant allele.
Comment: SAMD9: PM2, BP4

NM_017654.4(SAMD9):c.3516T>A (p.Asp1172Glu)

Gene: SAMD9 (sterile alpha motif domain containing 9; minus strand). Cytogenetic location: 7q21.2.
Variant type: single nucleotide variant.
Coding change: c.3516T>A on transcript NM_017654.4 (MANE Select); coding-DNA position 3516, T replaced by A.
Protein change: p.Asp1172Glu; replaces aspartic acid 1172 with glutamic acid.
Molecular consequence: missense variant.
Genome position (GRCh38, 1-based): chr7:93,102,582, A>T on the plus strand (T>A on the coding strand, the complement: SAMD9 is on the minus strand). VCF-style: chr7-93102582-A-T. GRCh37 (hg19) VCF-style: chr7-92731895-A-T.
Other names: c.3516T>A (NM_017654.3); c.3516T>A, p.Asp1172Glu (NM_001193307.2); short protein forms D1172E.
Identifiers: ClinVar variation 2657669 (VCV002657669.26), dbSNP rs767945606, ClinGen allele CA368184570.